The following is an entry in ClinVar:

NM_001353345.2(SETD1B):c.959C>T (p.Ala320Val)

Gene: SETD1B (SET domain containing 1B, histone lysine methyltransferase; plus strand). Cytogenetic location: 12q24.31.
Variant type: single nucleotide variant.
Coding change: c.959C>T on transcript NM_001353345.2 (MANE Select); coding-DNA position 959, C replaced by T.
Protein change: p.Ala320Val; replaces alanine 320 with valine.
Molecular consequence: missense variant.
Genome position (GRCh38, 1-based): chr12:121,809,904, C>T. VCF-style: chr12-121809904-C-T. GRCh37 (hg19) VCF-style: chr12-122247810-C-T.
Other names: NM_015048.1:c.959C>T; short protein forms A320V.
Identifiers: ClinVar variation 3794626 (VCV003794626.2).

ClinVar aggregate classification (germline): Uncertain significance. Review status: criteria provided, multiple submitters, no conflicts (2 of 4 stars). 2 submissions from 2 submitters: Uncertain significance (2). Last evaluated 2025-11-05.

Conditions:
Intellectual developmental disorder with seizures and language delay (IDDSELD). Identifiers: MedGen C5436574, MONDO:0033559, OMIM 619000.
Inborn genetic diseases. Identifiers: MedGen C0950123, MeSH D030342.

gnomAD v4.1: 2 of 1,550,882 alleles (0.00013%); highest among the groups gnomAD compares: Admixed American, 0.002%; no homozygotes.

Submissions (2):

Clinical Genomics Laboratory, Washington University in St. Louis
Classification: Uncertain significance for Intellectual developmental disorder with seizures and language delay. Last evaluated: 2025-11-05. Review status: criteria provided, single submitter. Criteria: ACMG Guidelines, 2015. Collection method: clinical testing. Allele origin: germline.
Comment: The SETD1B c.959C>T (p.Ala320Val) variant, to our knowledge, has not been reported in the medical literature. This variant has been reported in the ClinVar database as a germline variant of uncertain significance by one submitter. This variant is only observed in 1/152,906 alleles in the general population (gnomAD v.2.1.1), indicating it is not a common variant. Computational predictors are uncertain as to the impact of this variant on SETD1B function. Due to limited information, and based on ACMG/AMP guidelines for variant interpretation (Richards S et al., PMID: 25741868), the clinical significance of this variant is uncertain at this time.

Ambry Genetics
Classification: Uncertain significance for Inborn genetic diseases. Last evaluated: 2025-02-24. Review status: criteria provided, single submitter. Criteria: Ambry Variant Classification Scheme 2023. Collection method: clinical testing. Allele origin: germline.